The following is an entry in ClinVar:

NM_001163435.3(TBCK):c.2370T>G (p.Ser790Arg)

Gene: TBCK (TBC1 domain containing kinase; minus strand). Cytogenetic location: 4q24.
Variant type: single nucleotide variant.
Coding change: c.2370T>G on transcript NM_001163435.3 (MANE Select); coding-DNA position 2370, T replaced by G.
Protein change: p.Ser790Arg; replaces serine 790 with arginine.
Molecular consequence: missense variant.
Genome position (GRCh38, 1-based): chr4:106,116,244, A>C on the plus strand (T>G on the coding strand, the complement: TBCK is on the minus strand). VCF-style: chr4-106116244-A-C. GRCh37 (hg19) VCF-style: chr4-107037401-A-C.
Other names: c.2370T>G, p.Ser790Arg (NM_001163436.4); c.2253T>G, p.Ser751Arg (NM_001163437.3); c.1854T>G, p.Ser618Arg (NM_001290768.2); c.2181T>G, p.Ser727Arg (NM_033115.5); short protein forms S727R, S751R, S618R, S790R.
Identifiers: ClinVar variation 1029173 (VCV001029173.1), dbSNP rs1176913216, ClinGen allele CA357971976.

ClinVar aggregate classification (germline): Uncertain significance (1 of 4 stars; one submission).

Conditions:
Hypotonia, infantile, with psychomotor retardation and characteristic facies 3 (IHPRF3). Also called: TBCK-Related Neurodevelopmental Disorder. Identifiers: Orphanet 488632, MedGen C5567480, MONDO:0014823, OMIM 616900.

Allele frequency attached by ClinVar (database versions not stated): gnomAD exomes below 0.00001; TOPMed below 0.00001; gnomAD 0.00001.
gnomAD v4.1: 2 of 1,613,968 alleles (0.00012%); highest among the groups gnomAD compares: Non-Finnish European, 0.00017%; no homozygotes.

Submission:

Baylor Genetics
Classification: Uncertain significance for Hypotonia, infantile, with psychomotor retardation and characteristic facies 3. Last evaluated: 2019-11-21. Review status: criteria provided, single submitter. Criteria: ACMG Guidelines, 2015. Collection method: clinical testing. Allele origin: unknown. Affected: yes.
Comment: This variant was determined to be of uncertain significance according to ACMG Guidelines, 2015 [PMID:25741868].